The following is an entry in ClinVar:

NM_001111.5(ADAR):c.2799G>T (p.Gln933His)

Gene: ADAR (adenosine deaminase RNA specific; minus strand). Cytogenetic location: 1q21.3.
Variant type: single nucleotide variant.
Coding change: c.2799G>T on transcript NM_001111.5 (MANE Select); coding-DNA position 2799, G replaced by T.
Protein change: p.Gln933His; replaces glutamine 933 with histidine.
Molecular consequence: missense variant.
Genome position (GRCh38, 1-based): chr1:154,588,637, C>A on the plus strand (G>T on the coding strand, the complement: ADAR is on the minus strand). VCF-style: chr1-154588637-C-A. GRCh37 (hg19) VCF-style: chr1-154561113-C-A.
Other names: c.1914G>T, p.Gln638His (NM_001025107.3, NM_001193495.2, NM_001365046.1 and 2 more transcripts); c.2826G>T, p.Gln942His (NM_001365045.1); c.1836G>T, p.Gln612His (NM_001365049.1); c.2721G>T, p.Gln907His (NM_015840.4); c.2664G>T, p.Gln888His (NM_015841.4); short protein forms Q612H, Q638H, Q888H, Q907H, Q933H, Q942H.
Identifiers: ClinVar variation 2415090 (VCV002415090.6), dbSNP rs1046161321, ClinGen allele CA30852041.

ClinVar aggregate classification (germline): Uncertain significance (1 of 4 stars; one submission).

Conditions:
Aicardi-Goutieres syndrome 6 (AGS6). Identifiers: Orphanet 51, MedGen C3539013, MONDO:0014007, OMIM 615010.
Symmetrical dyschromatosis of extremities (DSH). Also called: DYSCHROMATOSIS SYMMETRICA HEREDITARIA 1; RETICULATE ACROPIGMENTATION OF DOHI; SYMMETRIC DYSCHROMATOSIS OF THE EXTREMITIES; Dyschromatosis symmetrica hereditaria. Identifiers: Orphanet 41, MedGen C0406775, MONDO:0007483, OMIM 127400.

Allele frequency attached by ClinVar (database versions not stated): gnomAD 0.00001; TOPMed 0.00001.
gnomAD v4.1: 1 of 1,614,056 alleles (0.000062%); highest among the groups gnomAD compares: African/African-American, 0.0013%; no homozygotes.

Submission:

Labcorp Genetics (formerly Invitae), Labcorp
Classification: Uncertain significance for Aicardi-Goutieres syndrome 6; Symmetrical dyschromatosis of extremities. Last evaluated: 2022-07-06. Review status: criteria provided, single submitter. Criteria: Invitae Variant Classification Sherloc (09022015). Collection method: clinical testing. Allele origin: germline.
Comment: This variant is not present in population databases (gnomAD no frequency). This sequence change replaces glutamine, which is neutral and polar, with histidine, which is basic and polar, at codon 933 of the ADAR protein (p.Gln933His). This variant has not been reported in the literature in individuals affected with ADAR-related conditions. Algorithms developed to predict the effect of missense changes on protein structure and function output the following: SIFT: "Tolerated"; PolyPhen-2: "Benign"; Align-GVGD: "Class C0". The histidine amino acid residue is found in multiple mammalian species, which suggests that this missense change does not adversely affect protein function. In summary, the available evidence is currently insufficient to determine the role of this variant in disease. Therefore, it has been classified as a Variant of Uncertain Significance.